The following is an entry in ClinVar:

NM_000083.3(CLCN1):c.2909T>A (p.Leu970Ter)

Gene: CLCN1 (chloride voltage-gated channel 1; plus strand). Cytogenetic location: 7q34.
Variant type: single nucleotide variant.
Coding change: c.2909T>A on transcript NM_000083.3 (MANE Select); coding-DNA position 2909, T replaced by A.
Protein change: p.Leu970Ter; replaces leucine 970 with a stop codon.
Molecular consequence: nonsense. On other transcripts: non-coding transcript variant (1).
Genome position (GRCh38, 1-based): chr7:143,351,907, T>A. VCF-style: chr7-143351907-T-A. GRCh37 (hg19) VCF-style: chr7-143049000-T-A.
Other names: short protein forms L970*.
Identifiers: ClinVar variation 1970120 (VCV001970120.5), dbSNP rs773561043, ClinGen allele CA369654173.
Genomic context (GRCh38, chr7:143,351,907, plus strand): 5'-AGTTGGAGGAGCTGGAGCTGGTGGAGAGTCCAGGGCTGGAAGAGGAGCTGGCCGACATCT[T>A]GCAGGGCCCCAGCCTGCGATCCACAGACGAGGAGGATGAGGATGAACTGATCCTTTGACC-3'

ClinVar aggregate classification (germline): Uncertain significance (1 of 4 stars; one submission).

Conditions:
Congenital myotonia, autosomal recessive form. Also called: BECKER DISEASE; Becker Generalized Myotonia; myotonia congenita, autosomal recessive. Identifiers: Orphanet 614, MedGen C0751360, MONDO:0009715, OMIM 255700.
Congenital myotonia, autosomal dominant form (THD). Also called: THOMSEN DISEASE; Myotonia congenita autosomal dominant. Identifiers: Orphanet 614, MedGen C2936781, MONDO:0008055, OMIM 160800.

gnomAD v4.1: 11 of 1,613,874 alleles (0.00068%); highest among the groups gnomAD compares: Non-Finnish European, 0.00093%; no homozygotes.

Submission:

Labcorp Genetics (formerly Invitae), Labcorp
Classification: Uncertain significance for Congenital myotonia, autosomal recessive form; Congenital myotonia, autosomal dominant form. Last evaluated: 2022-04-06. Review status: criteria provided, single submitter. Criteria: Invitae Variant Classification Sherloc (09022015). Collection method: clinical testing. Allele origin: germline.
Comment: In summary, the available evidence is currently insufficient to determine the role of this variant in disease. Therefore, it has been classified as a Variant of Uncertain Significance. Experimental studies and prediction algorithms are not available or were not evaluated, and the functional significance of this variant is currently unknown. This variant has not been reported in the literature in individuals affected with CLCN1-related conditions. This variant is not present in population databases (gnomAD no frequency). This sequence change creates a premature translational stop signal (p.Leu970*) in the CLCN1 gene. While this is not anticipated to result in nonsense mediated decay, it is expected to disrupt the last 19 amino acid(s) of the CLCN1 protein.